The following is an entry in ClinVar:

NM_003000.3(SDHB):c.800A>G (p.Lys267Arg)

Gene: SDHB (succinate dehydrogenase complex iron sulfur subunit B; minus strand). Cytogenetic location: 1p36.13.
Variant type: single nucleotide variant.
Coding change: c.800A>G on transcript NM_003000.3 (MANE Select); coding-DNA position 800, A replaced by G.
Protein change: p.Lys267Arg; replaces lysine 267 with arginine.
Molecular consequence: missense variant.
Genome position (GRCh38, 1-based): chr1:17,018,924, T>C on the plus strand (A>G on the coding strand, the complement: SDHB is on the minus strand). VCF-style: chr1-17018924-T-C. GRCh37 (hg19) VCF-style: chr1-17345419-T-C.
Other names: c.746A>G, p.Lys249Arg (NM_001407361.1); short protein forms K249R, K267R.
Identifiers: ClinVar variation 4783188 (VCV004783188.2).
Genomic context (GRCh38, chr1:17,018,924, plus strand): 5'-GTTTAGCATGGAAACAGTTAAACTGAAGCTTTCTTCTCCTTATAGGTTGCCATCATTTTC[T>C]TGATCTCTGCAATAGCTTTCCCTGGATTCAGACCCTTGAAAAAAGAGAAAAGAATCAATA-3'
Protein context (NP_002991.2, residues 257-277): LNPGKAIAEI[Lys267Arg]KMMATYKEKK

ClinVar aggregate classification (germline): Uncertain significance. Review status: criteria provided, multiple submitters, no conflicts (2 of 4 stars). 2 submissions from 2 submitters: Uncertain significance (2). Last evaluated 2026-07-02.

Conditions:
Hereditary cancer-predisposing syndrome. Also called: Hereditary Cancer Syndrome; Hereditary neoplastic syndrome; Neoplastic Syndromes, Hereditary; Tumor predisposition. Identifiers: Orphanet 140162, MedGen C0027672, MeSH D009386, MONDO:0015356.
Pheochromocytoma. Also called: MAX-Related Hereditary Paraganglioma-Pheochromocytoma Syndrome. Identifiers: Orphanet 29072, MedGen C0031511, MONDO:0008233, OMIM 171300, HP:0002666.
Pheochromocytoma/paraganglioma syndrome 4. Also called: CAROTID BODY TUMORS AND MULTIPLE EXTRAADRENAL PHEOCHROMOCYTOMAS; PARAGANGLIOMA, FAMILIAL MALIGNANT; PARAGANGLIOMAS, HEREDITARY EXTRAADRENAL; PHEOCHROMOCYTOMA, FAMILIAL EXTRAADRENAL; Paragangliomas 4; SDHB-Related Hereditary Paraganglioma-Pheochromocytoma Syndrome (Paragangliomas 4). Identifiers: Orphanet 29072, MedGen C1861848, MONDO:0007273, OMIM 115310.
Gastrointestinal stromal tumor. Also called: Gastrointestinal stroma tumor; Gastrointestinal stromal tumor, somatic. Identifiers: Orphanet 44890, MedGen C0238198, MeSH D046152, MONDO:0011719, OMIM 606764, HP:0100723.

gnomAD v4.1: 1 of 1,613,212 alleles (0.000062%); highest among the groups gnomAD compares: South Asian, 0.0011%; no homozygotes.

Submissions (2):

Ambry Genetics
Classification: Uncertain significance for Hereditary cancer-predisposing syndrome. Last evaluated: 2026-07-02. Review status: criteria provided, single submitter. Criteria: Ambry Variant Classification Scheme 2023. Collection method: clinical testing. Allele origin: germline.
Comment: The p.K267R variant (also known as c.800A>G), located in coding exon 8 of the SDHB gene, results from an A to G substitution at nucleotide position 800. The lysine at codon 267 is replaced by arginine, an amino acid with highly similar properties. This amino acid position is conserved. In addition, this alteration is predicted to be deleterious by in silico analysis. Based on the available evidence, the clinical significance of this variant remains unclear.

Labcorp Genetics (formerly Invitae), Labcorp
Classification: Uncertain significance for Gastrointestinal stromal tumor; Pheochromocytoma/paraganglioma syndrome 4; Pheochromocytoma. Last evaluated: 2025-12-19. Review status: criteria provided, single submitter. Criteria: Invitae Variant Classification Sherloc (09022015). Collection method: clinical testing. Allele origin: germline.
Comment: This sequence change replaces lysine, which is basic and polar, with arginine, which is basic and polar, at codon 267 of the SDHB protein (p.Lys267Arg). The frequency data for this variant in the population databases is considered unreliable, as metrics indicate poor data quality at this position in the gnomAD database. This variant has not been reported in the literature in individuals affected with SDHB-related conditions. Invitae Evidence Modeling of protein sequence and biophysical properties (such as structural, functional, and spatial information, amino acid conservation, physicochemical variation, residue mobility, and thermodynamic stability) indicates that this missense variant is not expected to disrupt SDHB protein function with a negative predictive value of 80%. Algorithms developed to predict the effect of sequence changes on RNA splicing suggest that this variant may disrupt the consensus splice site. In summary, the available evidence is currently insufficient to determine the role of this variant in disease. Therefore, it has been classified as a Variant of Uncertain Significance.